The following is an entry in ClinVar:

NM_001267550.2(TTN):c.27116C>T (p.Thr9039Ile)

Gene: TTN (titin; minus strand). Cytogenetic location: 2q31.2.
Variant type: single nucleotide variant.
Coding change: c.27116C>T on transcript NM_001267550.2 (MANE Select); coding-DNA position 27116, C replaced by T.
Protein change: p.Thr9039Ile; replaces threonine 9039 with isoleucine.
Molecular consequence: missense variant. On other transcripts: intron variant (3).
Genome position (GRCh38, 1-based): chr2:178,712,909, G>A on the plus strand (C>T on the coding strand, the complement: TTN is on the minus strand). VCF-style: chr2-178712909-G-A. GRCh37 (hg19) VCF-style: chr2-179577636-G-A.
Other names: c.26165C>T, p.Thr8722Ile (NM_001256850.1); c.23384C>T, p.Thr7795Ile (NM_133378.4); c.13282+25173C>T (NM_003319.4); c.13858+25173C>T (NM_133437.4); c.13657+25173C>T (NM_133432.3); short protein forms T8722I, T9039I, T7795I.
Identifiers: ClinVar variation 626650 (VCV000626650.8), dbSNP rs1560585408, ClinGen allele CA349457363.
Genomic context (GRCh38, chr2:178,712,909, plus strand): 5'-AGTTCACTGCTACCTTTGAACCAGCTAACACTGAAAGGAGGTGTTCCTTTTACGATACTT[G>A]TGAAAGTTACATTGGTCCCAGTTAAAACATCCATGGGATCAGGTTTCTGAACAAAAGATG-3'
Protein context (NP_001254479.2, residues 9029-9049): DVLTGTNVTF[Thr9039Ile]SIVKGTPPFS

ClinVar aggregate classification (germline): Uncertain significance. Review status: criteria provided, multiple submitters, no conflicts (2 of 4 stars). 3 submissions from 3 submitters: Uncertain significance (3). Last evaluated 2021-02-12.

Conditions:
Cardiomyopathy (CMYO). Also called: Cardiomyopathies. Identifiers: Orphanet 167848, MedGen C0878544, MONDO:0004994, HP:0001638. Inheritance: Various modes of inheritance.

gnomAD v4.1: 1 of 1,613,292 alleles (0.000062%); highest among the groups gnomAD compares: Non-Finnish European, 0.000085%; no homozygotes.

Submissions (3):

Revvity Omics, Revvity
Classification: Uncertain significance. Last evaluated: 2021-02-12. Review status: criteria provided, single submitter. Criteria: ACMG Guidelines, 2015. Collection method: clinical testing. Allele origin: germline.

GeneDx
Classification: Uncertain significance. Last evaluated: 2020-10-15. Review status: criteria provided, single submitter. Criteria: GeneDx Variant Classification Process June 2021. Collection method: clinical testing. Allele origin: germline. Affected: yes.
Comment: Not observed in large population cohorts (Lek et al., 2016); Missense variant in a gene in which most reported pathogenic variants are truncating/loss-of-function; Has not been previously published as pathogenic or benign to our knowledge

CHEO Genetics Diagnostic Laboratory, Children's Hospital of Eastern Ontario
Classification: Uncertain significance for Cardiomyopathy. Last evaluated: 2015-10-22. Review status: criteria provided, single submitter. Criteria: ACMG Guidelines, 2015. Collection method: clinical testing. Allele origin: germline. Study: Canadian Open Genetics Repository.